The following is an entry in ClinVar:

NM_000171.4(GLRA1):c.767A>G (p.Tyr256Cys)

Gene: GLRA1 (glycine receptor alpha 1; minus strand). Cytogenetic location: 5q33.1.
Variant type: single nucleotide variant.
Coding change: c.767A>G on transcript NM_000171.4 (MANE Select); coding-DNA position 767, A replaced by G.
Protein change: p.Tyr256Cys; replaces tyrosine 256 with cysteine.
Molecular consequence: missense variant.
Genome position (GRCh38, 1-based): chr5:151,851,535, T>C on the plus strand (A>G on the coding strand, the complement: GLRA1 is on the minus strand). VCF-style: chr5-151851535-T-C. GRCh37 (hg19) VCF-style: chr5-151231096-T-C.
Other names: c.767A>G, p.Tyr256Cys (NM_001146040.2); c.518A>G, p.Tyr173Cys (NM_001292000.2); short protein forms Y256C, Y173C.
Identifiers: ClinVar variation 3720661 (VCV003720661.2).

ClinVar aggregate classification (germline): Uncertain significance (1 of 4 stars; one submission).

Conditions:
Hereditary hyperekplexia. Identifiers: Orphanet 3197, MedGen C4084968, MONDO:0021022.

Submission:

Labcorp Genetics (formerly Invitae), Labcorp
Classification: Uncertain significance for Hereditary hyperekplexia. Last evaluated: 2025-01-28. Review status: criteria provided, single submitter. Criteria: Invitae Variant Classification Sherloc (09022015). Collection method: clinical testing. Allele origin: germline.
Comment: This sequence change replaces tyrosine, which is neutral and polar, with cysteine, which is neutral and slightly polar, at codon 256 of the GLRA1 protein (p.Tyr256Cys). This variant is not present in population databases (gnomAD no frequency). This missense change has been observed in individual(s) with autosomal recessive hyperekplexia (PMID: 17534957). It has also been observed to segregate with disease in related individuals. This variant is also known as c.1063A>G; p.Y228C. Invitae Evidence Modeling of protein sequence and biophysical properties (such as structural, functional, and spatial information, amino acid conservation, physicochemical variation, residue mobility, and thermodynamic stability) indicates that this missense variant is expected to disrupt GLRA1 protein function with a positive predictive value of 80%. In summary, the available evidence is currently insufficient to determine the role of this variant in disease. Therefore, it has been classified as a Variant of Uncertain Significance.

Literature cited by the submitters: PubMed 17534957.